The following is an entry in ClinVar:

NM_001567.4(INPPL1):c.225AGA[1] (p.Glu76del)

Gene: INPPL1 (inositol polyphosphate phosphatase like 1; plus strand). Cytogenetic location: 11q13.4.
Variant type: Microsatellite.
Coding change: c.225AGA[1] on transcript NM_001567.4 (MANE Select); one copy of the 3-base unit AGA starting at c.225; the reference has two copies in a row; one copy, 3 bases deleted.
Protein change: p.Glu76del; deletes glutamic acid 76.
Molecular consequence: inframe deletion.
Genome position (GRCh38, 1-based): chr11:72,228,235-72,228,237, AGA deleted; deleting any 3 consecutive bases within chr11:72,228,232-72,228,237 gives the same sequence; the position shown is the placement nearest the transcript's 3' end. VCF-style (leftmost placement, unchanged base first): chr11-72228231-GAGA-G. GRCh37 (hg19) VCF-style: chr11-71939275-GAGA-G.
Other names: short protein forms E76del.
Identifiers: ClinVar variation 1905371 (VCV001905371.5), dbSNP rs755318996, ClinGen allele CA6169582.

ClinVar aggregate classification (germline): Uncertain significance (1 of 4 stars; one submission).

Submission:

Labcorp Genetics (formerly Invitae), Labcorp
Classification: Uncertain significance. Last evaluated: 2023-10-13. Review status: criteria provided, single submitter. Criteria: Invitae Variant Classification Sherloc (09022015). Collection method: clinical testing. Allele origin: germline.
Comment: This variant, c.228_230del, results in the deletion of 1 amino acid(s) of the INPPL1 protein (p.Glu76del), but otherwise preserves the integrity of the reading frame. This variant is present in population databases (rs755318996, gnomAD 0.009%). This variant has not been reported in the literature in individuals affected with INPPL1-related conditions. Experimental studies and prediction algorithms are not available or were not evaluated, and the functional significance of this variant is currently unknown. In summary, the available evidence is currently insufficient to determine the role of this variant in disease. Therefore, it has been classified as a Variant of Uncertain Significance.